The following is an entry in ClinVar:

NM_001130682.3(GUCY1A1):c.255+9G>A

Gene: GUCY1A1 (guanylate cyclase 1 soluble subunit alpha 1; plus strand). Cytogenetic location: 4q32.1.
Variant type: single nucleotide variant.
Coding change: c.255+9G>A on transcript NM_001130682.3 (MANE Select); 9 bases into the intron after coding-DNA position 255, G replaced by A.
Molecular consequence: intron variant.
Genome position (GRCh38, 1-based): chr4:155,697,131, G>A. VCF-style: chr4-155697131-G-A. GRCh37 (hg19) VCF-style: chr4-156618283-G-A.
Other names: p.?; c.255+9G>A (NM_001379669.1, NM_001130683.4, NM_001379667.1 and 13 more transcripts); c.-451+9G>A (NM_001130685.3).
Identifiers: ClinVar variation 2974469 (VCV002974469.4), dbSNP rs201215034, ClinGen allele CA3117092.

ClinVar aggregate classification (germline): Likely benign. Review status: criteria provided, multiple submitters, no conflicts (2 of 4 stars). 2 submissions from 2 submitters: Likely benign (2). Last evaluated 2025-07-30.

Allele frequency attached by ClinVar (database versions not stated): gnomAD 0.00009; TOPMed 0.00004; 1000 Genomes Project 30x 0.00016; ExAC 0.00009; 1000 Genomes Project 0.00020.
gnomAD v4.1: 138 of 1,601,076 alleles (0.0086%); highest among the groups gnomAD compares: East Asian, 0.13%; no homozygotes.

Submissions (2):

Labcorp Genetics (formerly Invitae), Labcorp
Classification: Likely benign. Last evaluated: 2025-07-30. Review status: criteria provided, single submitter. Criteria: Invitae Variant Classification Sherloc (09022015). Collection method: clinical testing. Allele origin: germline.

Mayo Clinic Laboratories, Mayo Clinic
Classification: Likely benign. Last evaluated: 2025-03-06. Review status: criteria provided, single submitter. Criteria: ACMG Guidelines, 2015. Collection method: clinical testing. Allele origin: germline. Observed: 1 variant allele.
Comment: BP4, BP7